The following is an entry in ClinVar:

ClinVar aggregate classification (germline): Uncertain significance. Review status: criteria provided, multiple submitters, no conflicts (2 of 4 stars). 2 submissions from 2 submitters: Uncertain significance (2). Last evaluated 2023-12-30.

Conditions:
Blau syndrome (BLAUS). Also called: ARTHROCUTANEOUVEAL GRANULOMATOSIS; GRANULOMATOSIS, FAMILIAL JUVENILE SYSTEMIC; GRANULOMATOSIS, FAMILIAL, BLAU TYPE; GRANULOMATOUS INFLAMMATORY ARTHRITIS, DERMATITIS, AND UVEITIS, FAMILIAL; JABS SYNDROME. Identifiers: Orphanet 90340, MedGen C5201146, MONDO:0008523, OMIM 186580.
Regional enteritis. Also called: Enteritis, Granulomatous. Identifiers: MedGen C0678202, MeSH D003424.

Submissions (2):

Pittsburgh Clinical Genomics Laboratory, University of Pittsburgh Medical Center
Classification: Uncertain significance for Blau syndrome. Last evaluated: 2023-12-30. Review status: criteria provided, single submitter. Criteria: ACMG Guidelines, 2015. Collection method: clinical testing. Allele origin: germline. Inheritance: Autosomal dominant inheritance. Affected: yes.
Comment: This sequence variant is a single nucleotide substitution (A>G) at position 2705 of the coding sequence of the NOD2 gene that results in a glutamine to arginine amino acid change at residue 902 of the nucleotide binding oligomerization domain containing 2 (NOD2) protein. This residue falls in the LRR 5 domain (Uniprot) which contributes to NOD2 protein's immune function (PMID: 34440800). This variant is absent from ClinVar and the gnomAD v4.0.0 population database (0 of 833,064 alleles). This variant has not been observed in the published literature in an individual affected by an NOD2-related disorder, to our knowledge. Multiple bioinformatic tools provide conflicting predictions concerning this glutamine to arginine amino acid change, and the Gln902 residue at this position is highly conserved across the vertebrate species examined. Studies examining the functional consequence of this variant have not been published, to our knowledge. At this time, there is insufficient evidence to determine if this variant is pathogenic or benign. Therefore, we consider this a variant of uncertain significance. ACMG Criteria: PM2

Labcorp Genetics (formerly Invitae), Labcorp
Classification: Uncertain significance for Regional enteritis; Blau syndrome. Last evaluated: 2023-08-24. Review status: criteria provided, single submitter. Criteria: Invitae Variant Classification Sherloc (09022015). Collection method: clinical testing. Allele origin: germline.
Comment: This sequence change replaces glutamine, which is neutral and polar, with arginine, which is basic and polar, at codon 902 of the NOD2 protein (p.Gln902Arg). This variant is not present in population databases (gnomAD no frequency). In summary, the available evidence is currently insufficient to determine the role of this variant in disease. Therefore, it has been classified as a Variant of Uncertain Significance. Advanced modeling of protein sequence and biophysical properties (such as structural, functional, and spatial information, amino acid conservation, physicochemical variation, residue mobility, and thermodynamic stability) performed at Invitae indicates that this missense variant is not expected to disrupt NOD2 protein function. This variant has not been reported in the literature in individuals affected with NOD2-related conditions.

Literature cited by the submitters: PubMed 34440800 (cited by Pittsburgh Clinical Genomics Laboratory, University of Pittsburgh Medical Center).

NM_001370466.1(NOD2):c.2624A>G (p.Gln875Arg)

Gene: NOD2 (nucleotide binding oligomerization domain containing 2; plus strand). Cytogenetic location: 16q12.1.
Variant type: single nucleotide variant.
Coding change: c.2624A>G on transcript NM_001370466.1 (MANE Select); coding-DNA position 2624, A replaced by G.
Protein change: p.Gln875Arg; replaces glutamine 875 with arginine.
Molecular consequence: missense variant. On other transcripts: non-coding transcript variant (1).
Genome position (GRCh38, 1-based): chr16:50,719,999, A>G. VCF-style: chr16-50719999-A-G. GRCh37 (hg19) VCF-style: chr16-50753910-A-G.
Other names: c.2624A>G, p.Gln875Arg (NM_001293557.2); c.2705A>G, p.Gln902Arg (NM_022162.3); short protein forms Q875R, Q902R.
Identifiers: ClinVar variation 2936517 (VCV002936517.4), dbSNP rs2506490372, ClinGen allele CA395874505.